The following is an entry in ClinVar:

NM_002336.3(LRP6):c.262A>T (p.Asn88Tyr)

Gene: LRP6 (LDL receptor related protein 6; minus strand). Cytogenetic location: 12p13.2.
Variant type: single nucleotide variant.
Coding change: c.262A>T on transcript NM_002336.3 (MANE Select); coding-DNA position 262, A replaced by T.
Protein change: p.Asn88Tyr; replaces asparagine 88 with tyrosine.
Molecular consequence: missense variant. On other transcripts: 5 prime UTR variant (2), non-coding transcript variant (1), intron variant (1).
Genome position (GRCh38, 1-based): chr12:12,244,449, T>A on the plus strand (A>T on the coding strand, the complement: LRP6 is on the minus strand). VCF-style: chr12-12244449-T-A. GRCh37 (hg19) VCF-style: chr12-12397383-T-A.
Other names: c.262A>T, p.Asn88Tyr (NM_001414244.1, NM_001414245.1, NM_001414246.1 and 6 more transcripts); c.-192A>T (NM_001414253.1); c.-188A>T (NM_001414254.1); c.-5+22232A>T (NM_001414252.1); short protein forms N88Y.
Identifiers: ClinVar variation 4737719 (VCV004737719.1).
Genomic context (GRCh38, chr12:12,244,449, plus strand): 5'-TTTCTCCAAGCCAATCACATGCCAGCCCATCGGGGGACAATAATCCAGAAACAACAACAT[T>A]CTGCACACTCTCAGTTTTGTTAAATTCTGTTCGTTTAATGGCTTCTTCGCTGACATCACT-3'
Protein context (NP_002327.2, residues 78-98): TEFNKTESVQ[Asn88Tyr]VVVSGLLSPD

ClinVar aggregate classification (germline): Uncertain significance (1 of 4 stars; one submission).

Submission:

Labcorp Genetics (formerly Invitae), Labcorp
Classification: Uncertain significance. Last evaluated: 2025-08-15. Review status: criteria provided, single submitter. Criteria: Invitae Variant Classification Sherloc (09022015). Collection method: clinical testing. Allele origin: germline.
Comment: This sequence change replaces asparagine, which is neutral and polar, with tyrosine, which is neutral and polar, at codon 88 of the LRP6 protein (p.Asn88Tyr). This variant is not present in population databases (gnomAD no frequency). This variant has not been reported in the literature in individuals affected with LRP6-related conditions. Invitae Evidence Modeling of protein sequence and biophysical properties (such as structural, functional, and spatial information, amino acid conservation, physicochemical variation, residue mobility, and thermodynamic stability) indicates that this missense variant is not expected to disrupt LRP6 protein function with a negative predictive value of 80%. In summary, the available evidence is currently insufficient to determine the role of this variant in disease. Therefore, it has been classified as a Variant of Uncertain Significance.